The following is an entry in ClinVar:

ClinVar aggregate classification (germline): Uncertain significance. Review status: criteria provided, multiple submitters, no conflicts (2 of 4 stars). 2 submissions from 2 submitters: Uncertain significance (2). Last evaluated 2025-04-23.

Conditions:
Hereditary cancer-predisposing syndrome. Also called: Neoplastic Syndromes, Hereditary; Tumor predisposition; Hereditary Cancer Syndrome; Hereditary neoplastic syndrome. Identifiers: Orphanet 140162, MedGen C0027672, MeSH D009386, MONDO:0015356.
Ataxia-telangiectasia-like disorder (ATLD). Identifiers: MedGen C1858391, MONDO:0011457.

Allele frequency attached by ClinVar (database versions not stated): gnomAD 0.00001; TOPMed 0.00001; gnomAD exomes 0.00002 and 0.00005; ExAC 0.00007.
gnomAD v4.1: 23 of 1,613,728 alleles (0.0014%); highest among the groups gnomAD compares: East Asian, 0.0045%; no homozygotes.

Submissions (2):

Labcorp Genetics (formerly Invitae), Labcorp
Classification: Uncertain significance for Ataxia-telangiectasia-like disorder. Last evaluated: 2025-04-23. Review status: criteria provided, single submitter. Criteria: Invitae Variant Classification Sherloc (09022015). Collection method: clinical testing. Allele origin: germline.
Comment: This sequence change replaces arginine, which is basic and polar, with cysteine, which is neutral and slightly polar, at codon 380 of the MRE11 protein (p.Arg380Cys). This variant is present in population databases (rs766182900, gnomAD 0.008%). This variant has not been reported in the literature in individuals affected with MRE11-related conditions. ClinVar contains an entry for this variant (Variation ID: 230357). An algorithm developed to predict the effect of missense changes on protein structure and function (PolyPhen-2) suggests that this variant is likely to be disruptive. In summary, the available evidence is currently insufficient to determine the role of this variant in disease. Therefore, it has been classified as a Variant of Uncertain Significance.

Ambry Genetics
Classification: Uncertain significance for Hereditary cancer-predisposing syndrome. Last evaluated: 2023-05-12. Review status: criteria provided, single submitter. Criteria: Ambry Variant Classification Scheme 2023. Collection method: clinical testing. Allele origin: germline.
Comment: The p.R380C variant (also known as c.1138C>T), located in coding exon 10 of the MRE11A gene, results from a C to T substitution at nucleotide position 1138. The arginine at codon 380 is replaced by cysteine, an amino acid with highly dissimilar properties. This amino acid position is highly conserved in available vertebrate species. In addition, this alteration is predicted to be deleterious by in silico analysis. Since supporting evidence is limited at this time, the clinical significance of this alteration remains unclear.

NM_005591.4(MRE11):c.1138C>T (p.Arg380Cys)

Gene: MRE11 (MRE11 double strand break repair nuclease; minus strand). Cytogenetic location: 11q21.
Variant type: single nucleotide variant.
Coding change: c.1138C>T on transcript NM_005591.4 (MANE Select); coding-DNA position 1138, C replaced by T.
Protein change: p.Arg380Cys; replaces arginine 380 with cysteine.
Molecular consequence: missense variant.
Genome position (GRCh38, 1-based): chr11:94,464,200, G>A on the plus strand (C>T on the coding strand, the complement: MRE11 is on the minus strand). VCF-style: chr11-94464200-G-A. GRCh37 (hg19) VCF-style: chr11-94197366-G-A.
Other names: c.1138C>T, p.Arg380Cys (NM_001330347.2, NM_005590.4); short protein forms R380C.
Identifiers: ClinVar variation 230357 (VCV000230357.13), dbSNP rs766182900, ClinGen allele CA6235143.